The following is an entry in ClinVar:

ClinVar aggregate classification (germline): Benign. Review status: criteria provided, multiple submitters, no conflicts (2 of 4 stars). 3 submissions from 3 submitters: Benign (3). Last evaluated 2019-07-17.

Conditions:
Occult macular dystrophy (OCMD). Also called: OMD; OCCULT MACULAR DYSTROPHY, SUSCEPTIBILITY TO. Identifiers: Orphanet 247834, MedGen C3150833, MONDO:0013316, OMIM 613587, HP:0030636.

Allele frequency attached by ClinVar (database versions not stated): gnomAD exomes 0.00208 and 0.00532; ExAC 0.00614; ESP Exome Variant Server 0.02041; gnomAD 0.02185 and 0.02342; 1000 Genomes Project 0.02316; TOPMed 0.02488.
gnomAD v4.1: 6,441 of 1,613,476 alleles (0.4%); highest among the groups gnomAD compares: African/African-American, 7.7%; 239 homozygotes.

Submissions (3):

GeneDx
Classification: Benign. Last evaluated: 2019-07-17. Review status: criteria provided, single submitter. Criteria: GeneDx Variant Classification Process June 2021. Collection method: clinical testing. Allele origin: germline. Affected: yes.

Illumina Laboratory Services, Illumina
Classification: Benign for Occult macular dystrophy. Last evaluated: 2018-01-13. Review status: criteria provided, single submitter. Criteria: ICSL Variant Classification Criteria 13 December 2019. Collection method: clinical testing. Allele origin: germline.
Comment: This variant was observed in the ICSL laboratory as part of a predisposition screen in an ostensibly healthy population. It had not been previously curated by ICSL or reported in the Human Gene Mutation Database (HGMD: prior to June 1st, 2018), and was therefore a candidate for classification through an automated scoring system. Utilizing variant allele frequency, disease prevalence and penetrance estimates, and inheritance mode, an automated score was calculated to assess if this variant is too frequent to cause the disease. Based on the score and internal cut-off values, a variant classified as benign is not then subjected to further curation. The score for this variant resulted in a classification of benign for this disease.

Breakthrough Genomics
Classification: Benign. Review status: criteria provided, single submitter. Criteria: ACMG Guidelines, 2015. Collection method: not provided. Allele origin: germline. Inheritance: Autosomal recessive inheritance. Affected: yes.

NM_178857.6(RP1L1):c.6674C>T (p.Pro2225Leu)

Gene: RP1L1 (RP1 like 1). Cytogenetic location: 8p23.1.
Variant type: single nucleotide variant.
Coding change: c.6674C>T on transcript NM_178857.6 (MANE Select); coding-DNA position 6674, C replaced by T.
Protein change: p.Pro2225Leu; replaces proline 2225 with leucine.
Molecular consequence: missense variant.
Genome position (GRCh38, 1-based): chr8:10,607,424, G>A on the plus strand (C>T on the coding strand, the complement: RP1L1 is on the minus strand). VCF-style: chr8-10607424-G-A. GRCh37 (hg19) VCF-style: chr8-10464934-G-A.
Other names: short protein forms P2225L.
Identifiers: ClinVar variation 361214 (VCV000361214.9), dbSNP rs74968439, ClinGen allele CA4623213.